The following is an entry in ClinVar:

NM_000088.4(COL1A1):c.1930-1G>A

Gene: COL1A1 (collagen type I alpha 1 chain; minus strand). Cytogenetic location: 17q21.33.
Variant type: single nucleotide variant.
Coding change: c.1930-1G>A on transcript NM_000088.4 (MANE Select); the canonical splice acceptor site of the intron before coding-DNA position 1930, G replaced by A.
Molecular consequence: splice acceptor variant.
Genome position (GRCh38, 1-based): chr17:50,192,529, C>T on the plus strand (G>A on the coding strand, the complement: COL1A1 is on the minus strand). VCF-style: chr17-50192529-C-T. GRCh37 (hg19) VCF-style: chr17-48269890-C-T.
Identifiers: ClinVar variation 526866 (VCV000526866.9), dbSNP rs1555573288, ClinGen allele CA400213514.

ClinVar aggregate classification (germline): Pathogenic (1 of 4 stars; one submission).

Conditions:
Osteogenesis imperfecta type I (OI1). Also called: Osteogenesis imperfecta type 1; OI, TYPE I; OSTEOGENESIS IMPERFECTA TARDA; OSTEOGENESIS IMPERFECTA WITH BLUE SCLERAE; Lobstein's Disease; Lobstein disease. Identifiers: Orphanet 216796, Orphanet 666, MedGen C0023931, MONDO:0008146, OMIM 166200. Disease mechanism: loss of function.

Submission:

Labcorp Genetics (formerly Invitae), Labcorp
Classification: Pathogenic for Osteogenesis imperfecta type I. Last evaluated: 2022-02-28. Review status: criteria provided, single submitter. Criteria: Invitae Variant Classification Sherloc (09022015). Collection method: clinical testing. Allele origin: germline.
Comment: ClinVar contains an entry for this variant (Variation ID: 526866). Disruption of this splice site has been observed in individuals with osteogenesis imperfecta (PMID: 25963598). This variant is not present in population databases (gnomAD no frequency). This sequence change affects an acceptor splice site in intron 28 of the COL1A1 gene. It is expected to disrupt RNA splicing. Variants that disrupt the donor or acceptor splice site typically lead to a loss of protein function (PMID: 16199547), and loss-of-function variants in COL1A1 are known to be pathogenic (PMID: 7942841, 9295084, 9443882). Algorithms developed to predict the effect of sequence changes on RNA splicing suggest that this variant may disrupt the consensus splice site. For these reasons, this variant has been classified as Pathogenic.

Literature cited by the submitters: PubMed 25963598; PubMed 16199547; PubMed 7942841; PubMed 9295084; PubMed 9443882.